The following is an entry in ClinVar:

ClinVar aggregate classification (germline): Likely pathogenic (1 of 4 stars; one submission).

Conditions:
Dilated cardiomyopathy 1G (CMD1G). Identifiers: Orphanet 154, MedGen C1858763, MONDO:0011400, OMIM 604145.
Autosomal recessive limb-girdle muscular dystrophy type 2J (LGMDR10). Also called: Limb-girdle muscular dystrophy, type 2J; MUSCULAR DYSTROPHY, LIMB-GIRDLE, AUTOSOMAL RECESSIVE 10. Identifiers: Orphanet 140922, MedGen C1837342, MONDO:0012127, OMIM 608807.

Submission:

Labcorp Genetics (formerly Invitae), Labcorp
Classification: Likely pathogenic for Dilated cardiomyopathy 1G; Autosomal recessive limb-girdle muscular dystrophy type 2J. Last evaluated: 2021-02-19. Review status: criteria provided, single submitter. Criteria: Invitae Variant Classification Sherloc (09022015). Collection method: clinical testing. Allele origin: germline.
Comment: In summary, the currently available evidence indicates that the variant is pathogenic, but additional data are needed to prove that conclusively. Therefore, this variant has been classified as Likely Pathogenic. This variant is located in the A band of TTN (PMID: 25589632). Truncating variants in this region are significantly overrepresented in patients affected with dilated cardiomyopathy (PMID: 25589632). Truncating variants in this region have also been reported in individuals affected with autosomal recessive centronuclear myopathy (PMID: 23975875). This variant has not been reported in the literature in individuals with TTN-related conditions. This variant is not present in population databases (ExAC no frequency). This sequence change creates a premature translational stop signal (p.Leu28516Serfs*10) in the TTN gene. While this is not anticipated to result in nonsense mediated decay, it is expected to create a truncated TTN protein.

Literature cited by the submitters: PubMed 25589632; PubMed 23975875.

NM_001267550.2(TTN):c.85546del (p.Leu28516fs)

Genes: TTN (titin; minus strand), TTN-AS1 (TTN antisense RNA 1; plus strand). Cytogenetic location: 2q31.2.
Variant type: Deletion.
Coding change: c.85546del on transcript NM_001267550.2 (MANE Select); coding-DNA position 85546, one base deleted (C; older notation c.85546delC).
Protein change: p.Leu28516fs; shifts the reading frame from leucine 28516.
Molecular consequence: frameshift variant.
Genome position (GRCh38, 1-based): chr2:178,560,586, G deleted on the plus strand (C on the coding strand, the reverse complement: TTN is on the minus strand). VCF-style (leftmost placement, unchanged base first): chr2-178560585-AG-A. GRCh37 (hg19) VCF-style: chr2-179425312-AG-A.
Other names: c.80623del, p.Leu26875fs (NM_001256850.1); c.58351del, p.Leu19451fs (NM_003319.4); c.77842del, p.Leu25948fs (NM_133378.4); c.58726del, p.Leu19576fs (NM_133432.3); c.58927del, p.Leu19643fs (NM_133437.4); short protein forms L19576fs, L28516fs, L19451fs, L19643fs, L25948fs, L26875fs.
Identifiers: ClinVar variation 1507274 (VCV001507274.8), dbSNP rs2154158876, ClinGen allele CA2573134109.